The following is an entry in ClinVar:

NM_206926.2(SELENON):c.626C>T (p.Pro209Leu)

Gene: SELENON (selenoprotein N; plus strand). Cytogenetic location: 1p36.11.
Variant type: single nucleotide variant.
Coding change: c.626C>T on transcript NM_206926.2 (MANE Select); coding-DNA position 626, C replaced by T.
Protein change: p.Pro209Leu; replaces proline 209 with leucine.
Molecular consequence: missense variant.
Genome position (GRCh38, 1-based): chr1:25,808,770, C>T. VCF-style: chr1-25808770-C-T. GRCh37 (hg19) VCF-style: chr1-26135261-C-T.
Other names: c.728C>T, p.Pro243Leu (NM_020451.3); c.728C>T (NM_020451.2); short protein forms P209L, P243L.
Identifiers: ClinVar variation 1042290 (VCV001042290.8), dbSNP rs745856385, ClinGen allele CA19698295.
Genomic context (GRCh38, chr1:25,808,770, plus strand): 5'-TCATCCCCAGTGAGCTGAGCATGTTCACTGGCTACCTGTCCAACAACCGCTTCTATCCAC[C>T]GCCGCCCAAGGGCAAGGAGGTGAGGACAGCTGGGGTGCGACGTGGGGCCCCTCCGCCCGA-3'
Protein context (NP_996809.1, residues 199-219): GYLSNNRFYP[Pro209Leu]PPKGKEVIIH

ClinVar aggregate classification (germline): Uncertain significance. Review status: criteria provided, multiple submitters, no conflicts (2 of 4 stars). 3 submissions from 3 submitters: Uncertain significance (3). Last evaluated 2023-06-21.

Conditions:
Eichsfeld type congenital muscular dystrophy (CMYO3). Also called: Rigid spine muscular dystrophy 1; MYOPATHY, SEPN1-RELATED; SELENON-related myopathy; Congenital myopathy 3 with rigid spine. Identifiers: MedGen C0410180, MONDO:0100100, OMIM 602771.
Inborn genetic diseases. Identifiers: MedGen C0950123, MeSH D030342.

Allele frequency attached by ClinVar (database versions not stated): gnomAD below 0.00001 and 0.00001; gnomAD exomes 0.00002 and 0.00005; TOPMed 0.00002.
gnomAD v4.1: 33 of 1,613,758 alleles (0.002%); highest among the groups gnomAD compares: Admixed American, 0.012%; no homozygotes.

Submissions (3):

Ambry Genetics
Classification: Uncertain significance for Inborn genetic diseases. Last evaluated: 2023-06-21. Review status: criteria provided, single submitter. Criteria: Ambry Variant Classification Scheme 2023. Collection method: clinical testing. Allele origin: germline.

Revvity Omics, Revvity
Classification: Uncertain significance for Eichsfeld type congenital muscular dystrophy. Last evaluated: 2023-05-03. Review status: criteria provided, single submitter. Criteria: ACMG Guidelines, 2015. Collection method: clinical testing. Allele origin: germline.

Labcorp Genetics (formerly Invitae), Labcorp
Classification: Uncertain significance for Eichsfeld type congenital muscular dystrophy. Last evaluated: 2021-11-05. Review status: criteria provided, single submitter. Criteria: Invitae Variant Classification Sherloc (09022015). Collection method: clinical testing. Allele origin: germline.
Comment: This sequence change replaces proline, which is neutral and non-polar, with leucine, which is neutral and non-polar, at codon 243 of the SELENON protein (p.Pro243Leu). This variant is present in population databases (rs745856385, gnomAD 0.02%). This variant has not been reported in the literature in individuals affected with SELENON-related conditions. ClinVar contains an entry for this variant (Variation ID: 1042290). Algorithms developed to predict the effect of missense changes on protein structure and function (SIFT, PolyPhen-2, Align-GVGD) all suggest that this variant is likely to be disruptive. In summary, the available evidence is currently insufficient to determine the role of this variant in disease. Therefore, it has been classified as a Variant of Uncertain Significance.